The following is an entry in ClinVar:

ClinVar aggregate classification (germline): Uncertain significance (1 of 4 stars; one submission).

Conditions:
Coffin-Siris syndrome 6. Identifiers: MedGen C4540499, MONDO:0033492, OMIM 617808.

Submission:

Clinical Genetics Laboratory, University Hospital Schleswig-Holstein
Classification: Uncertain significance for Coffin-Siris syndrome 6. Last evaluated: 2025-11-10. Review status: criteria provided, single submitter. Criteria: ACMG Guidelines, 2015. Collection method: clinical testing. Allele origin: maternal. Affected: yes. Observed: 1 heterozygote.
Comment: ACMG criteria applied: PM2, PVS1_Moderate

NM_152641.4(ARID2):c.3G>A (p.Met1Ile)

Gene: ARID2 (AT-rich interaction domain 2; plus strand). Cytogenetic location: 12q12.
Variant type: single nucleotide variant.
Coding change: c.3G>A on transcript NM_152641.4 (MANE Select); coding-DNA position 3, G replaced by A.
Protein change: p.Met1Ile; changes the start codon (methionine 1).
Molecular consequence: missense variant, initiator codon variant.
Genome position (GRCh38, 1-based): chr12:45,729,839, G>A. VCF-style: chr12-45729839-G-A. GRCh37 (hg19) VCF-style: chr12-46123622-G-A.
Other names: c.3G>A, p.Met1Ile (NM_001347839.2); short protein forms M1I.
Identifiers: ClinVar variation 4891270 (VCV004891270.1).